The following is an entry in ClinVar:

NM_002691.4(POLD1):c.-2+12G>A

Gene: POLD1 (DNA polymerase delta 1, catalytic subunit; plus strand). Cytogenetic location: 19q13.33.
Variant type: single nucleotide variant.
Coding change: c.-2+12G>A on transcript NM_002691.4 (MANE Select); 12 bases into the intron after 2 bases upstream of the start codon, G replaced by A.
Molecular consequence: intron variant.
Genome position (GRCh38, 1-based): chr19:50,384,402, G>A. VCF-style: chr19-50384402-G-A. GRCh37 (hg19) VCF-style: chr19-50887659-G-A.
Other names: c.-5+12G>A (LRG_785t1, NM_001256849.1).
Identifiers: ClinVar variation 391232 (VCV000391232.1), dbSNP rs1057524009, ClinGen allele CA16608315.
Genomic context (GRCh38, chr19:50,384,402, plus strand): 5'-CAGGGGTCACGGCGGCGTAGGCTGTGGCGGGAAACGCTGTTTGAAGCGGGTGAGTAGAGG[G>A]GAAAAAGGGAGTTCGGGGCAGTGGGCCTGGTAGGGAACGGGGCTTGAGCAGCCAGGCACA-3'

ClinVar aggregate classification (germline): Likely benign (1 of 4 stars; one submission).

Allele frequency attached by ClinVar (database versions not stated): TOPMed 0.00001; gnomAD 0.00003 and 0.00004.

Submission:

GeneDx
Classification: Likely benign. Last evaluated: 2017-06-26. Review status: criteria provided, single submitter. Criteria: GeneDx Variant Classification (06012015). Collection method: clinical testing. Allele origin: germline. Affected: yes.
Comment: This variant is considered likely benign or benign based on one or more of the following criteria: it is a conservative change, it occurs at a poorly conserved position in the protein, it is predicted to be benign by multiple in silico algorithms, and/or has population frequency not consistent with disease.